The following is an entry in ClinVar:

ClinVar aggregate classification (germline): Likely benign. Review status: criteria provided, multiple submitters, no conflicts (2 of 4 stars). 2 submissions from 2 submitters: Likely benign (2). Last evaluated 2023-12-05.

Conditions:
Hereditary breast ovarian cancer syndrome. Also called: Hereditary breast and ovarian cancer; Hereditary breast and/or ovarian cancer syndrome; Hereditary breast and ovarian cancer syndrome (HBOC); Breast and ovarian cancer; Hereditary breast and ovarian cancer syndrome; BRCA1- and BRCA2-Associated Hereditary Breast and Ovarian Cancer. Identifiers: Orphanet 145, MedGen C0677776, MeSH D061325, MONDO:0003582. Disease mechanism: loss of function.

Allele frequency attached by ClinVar (database versions not stated): gnomAD exomes below 0.00001.
gnomAD v4.1: 1 of 1,610,238 alleles (0.000062%); highest among the groups gnomAD compares: East Asian, 0.0022%; no homozygotes.

Submissions (2):

Labcorp Genetics (formerly Invitae), Labcorp
Classification: Likely benign for Hereditary breast ovarian cancer syndrome. Last evaluated: 2023-12-05. Review status: criteria provided, single submitter. Criteria: Invitae Variant Classification Sherloc (09022015). Collection method: clinical testing. Allele origin: germline.

Women's Health and Genetics/Laboratory Corporation of America, LabCorp
Classification: Likely benign. Last evaluated: 2021-11-20. Review status: criteria provided, single submitter. Criteria: LabCorp Variant Classification Summary - May 2015. Collection method: clinical testing. Allele origin: germline.
Comment: Variant summary: BRCA2 c.6570A>C alters a non-conserved nucleotide resulting in a synonymous change. 4/4 computational tools predict no significant impact on normal splicing. However, these predictions have yet to be confirmed by functional studies. The variant allele was found at a frequency of 4.1e-06 in 246474 control chromosomes. The available data on variant occurrences in the general population are insufficient to allow any conclusion about variant significance. To our knowledge, no occurrence of c.6570A>C in individuals affected with Hereditary Breast And Ovarian Cancer Syndrome and no experimental evidence demonstrating its impact on protein function have been reported. One clinical diagnostic laboratory has submitted clinical-significance assessments for this variant to ClinVar after 2014 without evidence for independent evaluation and classified the variant as likely benign. Based on the evidence outlined above, the variant was classified as likely benign.

NM_000059.4(BRCA2):c.6570A>C (p.Val2190=)

Gene: BRCA2 (BRCA2 DNA repair associated; plus strand). Cytogenetic location: 13q13.1.
Variant type: single nucleotide variant.
Coding change: c.6570A>C on transcript NM_000059.4 (MANE Select); coding-DNA position 6570, A replaced by C.
Protein change: p.Val2190=; no amino-acid change (valine 2190 retained).
Molecular consequence: synonymous variant.
Genome position (GRCh38, 1-based): chr13:32,340,925, A>C. VCF-style: chr13-32340925-A-C. GRCh37 (hg19) VCF-style: chr13-32915062-A-C.
Identifiers: ClinVar variation 1100257 (VCV001100257.10), dbSNP rs1210384297, ClinGen allele CA483439121.